The following is an entry in ClinVar:

NM_005045.4(RELN):c.278A>G (p.Tyr93Cys)

Gene: RELN (reelin; minus strand). Cytogenetic location: 7q22.1.
Variant type: single nucleotide variant.
Coding change: c.278A>G on transcript NM_005045.4 (MANE Select); coding-DNA position 278, A replaced by G.
Protein change: p.Tyr93Cys; replaces tyrosine 93 with cysteine.
Molecular consequence: missense variant.
Genome position (GRCh38, 1-based): chr7:103,917,134, T>C on the plus strand (A>G on the coding strand, the complement: RELN is on the minus strand). VCF-style: chr7-103917134-T-C. GRCh37 (hg19) VCF-style: chr7-103557581-T-C.
Other names: c.278A>G, p.Tyr93Cys (NM_173054.3); short protein forms Y93C.
Identifiers: ClinVar variation 2012736 (VCV002012736.4), dbSNP rs2484778936, ClinGen allele CA368931086.

ClinVar aggregate classification (germline): Uncertain significance (1 of 4 stars; one submission).

Conditions:
Norman-Roberts syndrome (LIS2). Also called: Lissencephaly 2 (Norman-Roberts type). Identifiers: Orphanet 89844, MedGen C0796089, MONDO:0009760, OMIM 257320.
Familial temporal lobe epilepsy 7. Identifiers: Orphanet 101046, MedGen C4225327, MONDO:0014639, OMIM 616436.

Submission:

Labcorp Genetics (formerly Invitae), Labcorp
Classification: Uncertain significance for Familial temporal lobe epilepsy 7; Norman-Roberts syndrome. Last evaluated: 2022-07-01. Review status: criteria provided, single submitter. Criteria: Invitae Variant Classification Sherloc (09022015). Collection method: clinical testing. Allele origin: germline.
Comment: In summary, the available evidence is currently insufficient to determine the role of this variant in disease. Therefore, it has been classified as a Variant of Uncertain Significance. Algorithms developed to predict the effect of missense changes on protein structure and function are either unavailable or do not agree on the potential impact of this missense change (SIFT: "Deleterious"; PolyPhen-2: "Possibly Damaging"; Align-GVGD: "Class C0"). This variant has not been reported in the literature in individuals affected with RELN-related conditions. This variant is not present in population databases (gnomAD no frequency). This sequence change replaces tyrosine, which is neutral and polar, with cysteine, which is neutral and slightly polar, at codon 93 of the RELN protein (p.Tyr93Cys).